The following is an entry in ClinVar:

ClinVar aggregate classification (germline): Likely pathogenic (1 of 4 stars; one submission).

Conditions:
CDKL5 disorder. Identifiers: MedGen CN296942, MONDO:0100039.

Submission:

Centre for Population Genomics, CPG
Classification: Likely pathogenic for CDKL5 disorder. Last evaluated: 2024-07-23. Review status: criteria provided, single submitter. Criteria: McKnight et al. (Hum Mutat. 2022). Collection method: curation. Allele origin: germline. Inheritance: X-linked inheritance.
Comment: This variant has been collected from RettBASE and curated to current modified ACMG/AMP criteria. Based on the classification scheme defined by the ClinGen Rett/Angelman-like Expert Panel for Rett/AS-like Disorders Specifications to the ACMG/AMP Variant Interpretation Guidelines VCEP 3.0, this variant is classified as likely pathogenic. At least the following criteria are met: Occurs in the well-characterized ATP binding region of CDKL5 (PM1). This variant is absent from gnomAD v4 (PM2_Supporting). Another missense variant in the same codon has been classified as pathogenic (PM5). Computational prediction analysis tools suggests a deleterious impact (REVEL score>= 0.75) (PP3).

NM_001323289.2(CDKL5):c.65G>T (p.Gly22Val)

Gene: CDKL5 (cyclin dependent kinase like 5; plus strand). Cytogenetic location: Xp22.13.
Variant type: single nucleotide variant.
Coding change: c.65G>T on transcript NM_001323289.2 (MANE Select); coding-DNA position 65, G replaced by T.
Protein change: p.Gly22Val; replaces glycine 22 with valine.
Molecular consequence: missense variant.
Genome position (GRCh38, 1-based): chrX:18,510,820, G>T. VCF-style: chrX-18510820-G-T. GRCh37 (hg19) VCF-style: chrX-18528940-G-T.
Other names: NM_003159.3:c.65G>T; c.65G>T, p.Gly22Val (NM_001037343.2, NM_003159.3); short protein forms G22V.
Identifiers: ClinVar variation 3344016 (VCV003344016.1).